The following is an entry in ClinVar:

NM_002317.7(LOX):c.1080C>A (p.Asp360Glu)

Genes: LOX (lysyl oxidase; minus strand), SRFBP1 (serum response factor binding protein 1; plus strand). Cytogenetic location: 5q23.1.
Variant type: single nucleotide variant.
Coding change: c.1080C>A on transcript NM_002317.7 (MANE Select); coding-DNA position 1080, C replaced by A.
Protein change: p.Asp360Glu; replaces aspartic acid 360 with glutamic acid.
Molecular consequence: missense variant.
Genome position (GRCh38, 1-based): chr5:122,070,545, G>T on the plus strand (C>A on the coding strand, the complement: LOX is on the minus strand). VCF-style: chr5-122070545-G-T. GRCh37 (hg19) VCF-style: chr5-121406240-G-T.
Other names: c.390C>A, p.Asp130Glu (NM_001178102.2); c.189C>A, p.Asp63Glu (NM_001317073.1); short protein forms D130E, D360E, D63E.
Identifiers: ClinVar variation 2604736 (VCV002604736.3), dbSNP rs377582702, ClinGen allele CA360880511.

ClinVar aggregate classification (germline): Uncertain significance. Review status: criteria provided, multiple submitters, no conflicts (2 of 4 stars). 2 submissions from 2 submitters: Uncertain significance (2). Last evaluated 2025-08-20.

Conditions:
Cardiovascular phenotype. Identifiers: MedGen CN230736.

Submissions (2):

Labcorp Genetics (formerly Invitae), Labcorp
Classification: Uncertain significance. Last evaluated: 2025-08-20. Review status: criteria provided, single submitter. Criteria: Invitae Variant Classification Sherloc (09022015). Collection method: clinical testing. Allele origin: germline.
Comment: This sequence change replaces aspartic acid, which is acidic and polar, with glutamic acid, which is acidic and polar, at codon 360 of the LOX protein (p.Asp360Glu). This variant is not present in population databases (gnomAD no frequency). This variant has not been reported in the literature in individuals affected with LOX-related conditions. ClinVar contains an entry for this variant (Variation ID: 2604736). Invitae Evidence Modeling of protein sequence and biophysical properties (such as structural, functional, and spatial information, amino acid conservation, physicochemical variation, residue mobility, and thermodynamic stability) indicates that this missense variant is expected to disrupt LOX protein function with a positive predictive value of 95%. In summary, the available evidence is currently insufficient to determine the role of this variant in disease. Therefore, it has been classified as a Variant of Uncertain Significance.

Ambry Genetics
Classification: Uncertain significance for Cardiovascular phenotype. Last evaluated: 2023-06-21. Review status: criteria provided, single submitter. Criteria: Ambry Variant Classification Scheme 2023. Collection method: clinical testing. Allele origin: germline.